The following is an entry in ClinVar:

ClinVar aggregate classification (germline): Uncertain significance (1 of 4 stars; one submission).

Conditions:
Neuroblastoma, susceptibility to, 3. Also called: ALK-Related Neuroblastic Tumor Susceptibility. Identifiers: Orphanet 635, MedGen C2751681, MONDO:0013083, OMIM 613014.

Submission:

Labcorp Genetics (formerly Invitae), Labcorp
Classification: Uncertain significance for Neuroblastoma, susceptibility to, 3. Last evaluated: 2024-04-15. Review status: criteria provided, single submitter. Criteria: Invitae Variant Classification Sherloc (09022015). Collection method: clinical testing. Allele origin: germline.
Comment: This sequence change replaces proline, which is neutral and non-polar, with serine, which is neutral and polar, at codon 1570 of the ALK protein (p.Pro1570Ser). This variant is not present in population databases (gnomAD no frequency). This variant has not been reported in the literature in individuals affected with ALK-related conditions. An algorithm developed to predict the effect of missense changes on protein structure and function (PolyPhen-2) suggests that this variant is likely to be disruptive. In summary, the available evidence is currently insufficient to determine the role of this variant in disease. Therefore, it has been classified as a Variant of Uncertain Significance.

NM_004304.5(ALK):c.4708C>T (p.Pro1570Ser)

Gene: ALK (ALK receptor tyrosine kinase; minus strand). Cytogenetic location: 2p23.2.
Variant type: single nucleotide variant.
Coding change: c.4708C>T on transcript NM_004304.5 (MANE Select); coding-DNA position 4708, C replaced by T.
Protein change: p.Pro1570Ser; replaces proline 1570 with serine.
Molecular consequence: missense variant.
Genome position (GRCh38, 1-based): chr2:29,193,379, G>A on the plus strand (C>T on the coding strand, the complement: ALK is on the minus strand). VCF-style: chr2-29193379-G-A. GRCh37 (hg19) VCF-style: chr2-29416245-G-A.
Other names: c.1504C>T, p.Pro502Ser (NM_001353765.2); short protein forms P502S, P1570S.
Identifiers: ClinVar variation 2812763 (VCV002812763.3), dbSNP rs2148137416, ClinGen allele CA346460410.